The following is an entry in ClinVar:

ClinVar aggregate classification (germline): Uncertain significance (1 of 4 stars; one submission).

Conditions:
Left ventricular noncompaction 8 (LVNC8). Identifiers: Orphanet 154, Orphanet 54260, MedGen C3809288, MONDO:0014152, OMIM 615373.

Allele frequency attached by ClinVar (database versions not stated): gnomAD 0.00003; 1000 Genomes Project 30x 0.00016; TOPMed 0.00005; gnomAD exomes 0.00003.
gnomAD v4.1: 43 of 1,613,586 alleles (0.0027%); highest among the groups gnomAD compares: Non-Finnish European, 0.0036%; no homozygotes.

Submission:

Labcorp Genetics (formerly Invitae), Labcorp
Classification: Uncertain significance for Left ventricular noncompaction 8. Last evaluated: 2024-09-29. Review status: criteria provided, single submitter. Criteria: Invitae Variant Classification Sherloc (09022015). Collection method: clinical testing. Allele origin: germline.
Comment: This sequence change falls in intron 12 of the PRDM16 gene. It does not directly change the encoded amino acid sequence of the PRDM16 protein. It affects a nucleotide within the consensus splice site. This variant is not present in population databases (gnomAD no frequency). This variant has not been reported in the literature in individuals affected with PRDM16-related conditions. ClinVar contains an entry for this variant (Variation ID: 2054248). Variants that disrupt the consensus splice site are a relatively common cause of aberrant splicing (PMID: 17576681, 9536098). Algorithms developed to predict the effect of sequence changes on RNA splicing suggest that this variant is not likely to affect RNA splicing. In summary, the available evidence is currently insufficient to determine the role of this variant in disease. Therefore, it has been classified as a Variant of Uncertain Significance.

Literature cited by the submitters: PubMed 17576681; PubMed 9536098.

NM_022114.4(PRDM16):c.2940-3C>T

Gene: PRDM16 (PR/SET domain 16; plus strand). Cytogenetic location: 1p36.32.
Variant type: single nucleotide variant.
Coding change: c.2940-3C>T on transcript NM_022114.4 (MANE Select); 3 bases into the intron before coding-DNA position 2940, C replaced by T.
Molecular consequence: intron variant.
Genome position (GRCh38, 1-based): chr1:3,425,578, C>T. VCF-style: chr1-3425578-C-T. GRCh37 (hg19) VCF-style: chr1-3342142-C-T.
Other names: c.2940-3C>T (NM_199454.3).
Identifiers: ClinVar variation 2054248 (VCV002054248.4), dbSNP rs1476290576, ClinGen allele CA735184689.